The following is an entry in ClinVar:

ClinVar aggregate classification (germline): Uncertain significance. Review status: criteria provided, multiple submitters, no conflicts (2 of 4 stars). 2 submissions from 2 submitters: Uncertain significance (2). Last evaluated 2023-09-27.

Conditions:
Cardiovascular phenotype. Identifiers: MedGen CN230736.

gnomAD v4.1: 1 of 1,210,213 alleles (0.000083%); highest among the groups gnomAD compares: East Asian, 0.003%; no homozygotes.

Submissions (2):

Revvity Omics, Revvity
Classification: Uncertain significance. Last evaluated: 2023-09-27. Review status: criteria provided, single submitter. Criteria: ACMG Guidelines, 2015. Collection method: clinical testing. Allele origin: germline.

Ambry Genetics
Classification: Uncertain significance for Cardiovascular phenotype. Last evaluated: 2022-06-25. Review status: criteria provided, single submitter. Criteria: Ambry Variant Classification Scheme 2023. Collection method: clinical testing. Allele origin: germline.
Comment: The p.H269Y variant (also known as c.805C>T), located in coding exon 8 of the DMD gene, results from a C to T substitution at nucleotide position 805. The histidine at codon 269 is replaced by tyrosine, an amino acid with similar properties. Based on data from gnomAD, the T allele has an overall frequency of 0.0005% (1/182902) total alleles studied, with 0 hemizygote(s) observed. The highest observed frequency was 0.0072% (1/13831) of East Asian alleles. This amino acid position is not well conserved in available vertebrate species. In addition, this alteration is predicted to be tolerated by in silico analysis. Since supporting evidence is limited at this time, the clinical significance of this alteration remains unclear.

NM_004006.3(DMD):c.805C>T (p.His269Tyr)

Gene: DMD (dystrophin; minus strand). Cytogenetic location: Xp21.1.
Variant type: single nucleotide variant.
Coding change: c.805C>T on transcript NM_004006.3 (MANE Select); coding-DNA position 805, C replaced by T.
Protein change: p.His269Tyr; replaces histidine 269 with tyrosine.
Molecular consequence: missense variant.
Genome position (GRCh38, 1-based): chrX:32,699,138, G>A on the plus strand (C>T on the coding strand, the complement: DMD is on the minus strand). VCF-style: chrX-32699138-G-A. GRCh37 (hg19) VCF-style: chrX-32717255-G-A.
Other names: c.781C>T, p.His261Tyr (NM_000109.4); c.793C>T, p.His265Tyr (NM_004009.3); c.436C>T, p.His146Tyr (NM_004010.3); short protein forms H146Y, H265Y, H269Y, H261Y.
Identifiers: ClinVar variation 1761838 (VCV001761838.3), dbSNP rs746626486, ClinGen allele CA412668840.